The following is an entry in ClinVar:

NM_001371623.1(TCOF1):c.2365del (p.Gln789fs)

Gene: TCOF1 (treacle ribosome biogenesis factor 1; plus strand). Cytogenetic location: 5q32.
Variant type: Deletion.
Coding change: c.2365del on transcript NM_001371623.1 (MANE Select); coding-DNA position 2365, one base deleted (C; older notation c.2365delC).
Protein change: p.Gln789fs; shifts the reading frame from glutamine 789.
Molecular consequence: frameshift variant.
Genome position (GRCh38, 1-based): chr5:150,378,929, C deleted; the last of 3 consecutive C bases (chr5:150,378,927-150,378,929); deleting any one gives the same sequence. VCF-style (leftmost placement, unchanged base first): chr5-150378926-AC-A. GRCh37 (hg19) VCF-style: chr5-149758489-AC-A.
Other names: c.2134del, p.Gln712fs (NM_000356.4, NM_001135245.2, NM_001437406.1); c.2365del, p.Gln789fs (NM_001008657.3, NM_001135243.2, NM_001135244.2 and 1 more transcripts); short protein forms Q712fs, Q789fs.
Identifiers: ClinVar variation 4854022 (VCV004854022.1).

ClinVar aggregate classification (germline): Likely pathogenic (1 of 4 stars; one submission).

Conditions:
Treacher Collins syndrome 1 (TCS1). Also called: TCOF1-Related Treacher Collins Syndrome. Identifiers: Orphanet 861, MedGen CN315775, MONDO:0007944, OMIM 154500.

Submission:

3billion
Classification: Likely pathogenic for Treacher Collins syndrome 1. Last evaluated: 2025-12-16. Review status: criteria provided, single submitter. Criteria: ACMG Guidelines, 2015. Collection method: clinical testing. Allele origin: germline. Affected: yes.
Comment: The variant is not observed in the gnomAD v4.1.0 dataset. Predicted Consequence/Location: Frameshift: predicted to result in a loss or disruption of normal protein function through nonsense-mediated decay (NMD) or protein truncation. Multiple pathogenic variants are reported downstream of the variant. Therefore, this variant is classified as Likely pathogenic according to the recommendation of ACMG/AMP guideline.